The following is an entry in ClinVar:

ClinVar aggregate classification (germline): Uncertain significance (1 of 4 stars; one submission).

Conditions:
Pityriasis rubra pilaris (PRP). Also called: Pityriasis rubra pilaris--familial type. Identifiers: Orphanet 2897, MedGen C0032027, MONDO:0100017, OMIM 173200, MONDO:0008251.
Psoriasis 2. Identifiers: MedGen C1864497, MONDO:0011269, OMIM 602723.

Allele frequency attached by ClinVar (database versions not stated): gnomAD exomes below 0.00001; TOPMed below 0.00001.
gnomAD v4.1: 1 of 1,614,172 alleles (0.000062%); highest among the groups gnomAD compares: Non-Finnish European, 0.000085%; no homozygotes.

Submission:

Labcorp Genetics (formerly Invitae), Labcorp
Classification: Uncertain significance for Pityriasis rubra pilaris; Psoriasis 2. Last evaluated: 2024-01-31. Review status: criteria provided, single submitter. Criteria: Invitae Variant Classification Sherloc (09022015). Collection method: clinical testing. Allele origin: germline.
Comment: This sequence change replaces alanine, which is neutral and non-polar, with threonine, which is neutral and polar, at codon 85 of the CARD14 protein (p.Ala85Thr). This variant is not present in population databases (gnomAD no frequency). This variant has not been reported in the literature in individuals affected with CARD14-related conditions. Advanced modeling of protein sequence and biophysical properties (such as structural, functional, and spatial information, amino acid conservation, physicochemical variation, residue mobility, and thermodynamic stability) performed at Invitae indicates that this missense variant is expected to disrupt CARD14 protein function with a positive predictive value of 80%. In summary, the available evidence is currently insufficient to determine the role of this variant in disease. Therefore, it has been classified as a Variant of Uncertain Significance.

NM_001366385.1(CARD14):c.253G>A (p.Ala85Thr)

Gene: CARD14 (caspase recruitment domain family member 14; plus strand). Cytogenetic location: 17q25.3.
Variant type: single nucleotide variant.
Coding change: c.253G>A on transcript NM_001366385.1 (MANE Select); coding-DNA position 253, G replaced by A.
Protein change: p.Ala85Thr; replaces alanine 85 with threonine.
Molecular consequence: missense variant. On other transcripts: non-coding transcript variant (1).
Genome position (GRCh38, 1-based): chr17:80,182,694, G>A. VCF-style: chr17-80182694-G-A. GRCh37 (hg19) VCF-style: chr17-78156493-G-A.
Other names: c.253G>A, p.Ala85Thr (NM_001257970.1, NM_024110.4); short protein forms A85T.
Identifiers: ClinVar variation 2931449 (VCV002931449.3), dbSNP rs903653101, ClinGen allele CA294856809.